The following is an entry in ClinVar:

ClinVar aggregate classification (germline): Conflicting classifications of pathogenicity. Review status: criteria provided, conflicting classifications (1 of 4 stars). 3 submissions from 3 submitters: Uncertain significance (2); Likely benign (1). Last evaluated 2025-06-27.

Conditions:
Familial thoracic aortic aneurysm and aortic dissection (TAAD). Also called: Thoracic aortic aneurysms and dissections. Identifiers: Orphanet 91387, MedGen C4707243, MONDO:0019625.
Aortic aneurysm, familial thoracic 7 (AAT7). Also called: AORTIC DISSECTION, FAMILIAL, WITH OR WITHOUT AORTIC ANEURYSM. Identifiers: MedGen C3151077, MONDO:0013418, OMIM 613780.

Allele frequency attached by ClinVar (database versions not stated): gnomAD 0.00003; TOPMed 0.00008; ExAC 0.00010; gnomAD exomes 0.00013.
gnomAD v4.1: 57 of 1,614,050 alleles (0.0035%); highest among the groups gnomAD compares: Admixed American, 0.058%; no homozygotes.

Submissions (3):

Labcorp Genetics (formerly Invitae), Labcorp
Classification: Likely benign for Aortic aneurysm, familial thoracic 7. Last evaluated: 2025-06-27. Review status: criteria provided, single submitter. Criteria: Invitae Variant Classification Sherloc (09022015). Collection method: clinical testing. Allele origin: germline.

Women's Health and Genetics/Laboratory Corporation of America, LabCorp
Classification: Uncertain significance. Last evaluated: 2024-09-23. Review status: criteria provided, single submitter. Criteria: LabCorp Variant Classification Summary - May 2015. Collection method: clinical testing. Allele origin: germline.
Comment: Variant summary: MYLK c.2732C>T (p.Ser911Leu) results in a non-conservative amino acid change in the encoded protein sequence. Three of five in-silico tools predict a damaging effect of the variant on protein function. The variant allele was found at a frequency of 0.00013 in 251464 control chromosomes (gnomAD). To our knowledge, no occurrence of c.2732C>T in individuals affected with Megacystis-Microcolon Hypoperistalsis Syndrome 1 and no experimental evidence demonstrating its impact on protein function have been reported. ClinVar contains an entry for this variant (Variation ID: 702280). Based on the evidence outlined above, the variant was classified as uncertain significance.

Ambry Genetics
Classification: Uncertain significance for Familial thoracic aortic aneurysm and aortic dissection. Last evaluated: 2023-05-26. Review status: criteria provided, single submitter. Criteria: Ambry Variant Classification Scheme 2023. Collection method: clinical testing. Allele origin: germline.
Comment: The p.S911L variant (also known as c.2732C>T), located in coding exon 15 of the MYLK gene, results from a C to T substitution at nucleotide position 2732. The serine at codon 911 is replaced by leucine, an amino acid with dissimilar properties. This amino acid position is conserved. In addition, this alteration is predicted to be tolerated by in silico analysis. Since supporting evidence is limited at this time, the clinical significance of this alteration remains unclear.

NM_053025.4(MYLK):c.2732C>T (p.Ser911Leu)

Gene: MYLK (myosin light chain kinase; minus strand). Cytogenetic location: 3q21.1.
Variant type: single nucleotide variant.
Coding change: c.2732C>T on transcript NM_053025.4 (MANE Select); coding-DNA position 2732, C replaced by T.
Protein change: p.Ser911Leu; replaces serine 911 with leucine.
Molecular consequence: missense variant.
Genome position (GRCh38, 1-based): chr3:123,700,736, G>A on the plus strand (C>T on the coding strand, the complement: MYLK is on the minus strand). VCF-style: chr3-123700736-G-A. GRCh37 (hg19) VCF-style: chr3-123419583-G-A.
Other names: c.2204C>T, p.Ser735Leu (NM_001321309.2); c.2525C>T, p.Ser842Leu (NM_053026.4, NM_053028.4); c.2732C>T, p.Ser911Leu (NM_053027.4); short protein forms S735L, S842L, S911L.
Identifiers: ClinVar variation 702280 (VCV000702280.12), dbSNP rs773956836, ClinGen allele CA068938.